The following is an entry in ClinVar:

NM_033305.3(VPS13A):c.236_238delinsA (p.Val79fs)

Gene: VPS13A (vacuolar protein sorting 13 homolog A; plus strand). Cytogenetic location: 9q21.2.
Variant type: Indel.
Coding change: c.236_238delinsA on transcript NM_033305.3 (MANE Select); coding-DNA positions 236 to 238, TTG replaced by A.
Protein change: p.Val79fs; shifts the reading frame from valine 79.
Molecular consequence: frameshift variant.
Genome position (GRCh38, 1-based): chr9:77,205,361-77,205,363, TTG replaced by A. VCF-style: chr9-77205361-TTG-A. GRCh37 (hg19) VCF-style: chr9-79820277-TTG-A.
Other names: c.236_238delinsA, p.Val79fs (NM_001018037.2, NM_001018038.3, NM_015186.4); short protein forms V79fs.
Identifiers: ClinVar variation 5010763 (VCV005010763.1).

ClinVar aggregate classification (germline): Pathogenic (1 of 4 stars; one submission).

Conditions:
VPS13A-related neurodegenerative disease. Also called: ACANTHOCYTOSIS WITH NEUROLOGIC DISORDER; LEVINE-CRITCHLEY SYNDROME; Choreoacanthocytosis; Chorea-acanthocytosis; Choreaacanthocytosis; VPS13A Disease. Identifiers: Orphanet 2388, MedGen C0393576, MONDO:0008695, OMIM 200150.

Submission:

Myriad Genetics, Inc.
Classification: Pathogenic for VPS13A-related neurodegenerative disease. Last evaluated: 2024-05-14. Review status: criteria provided, single submitter. Criteria: Myriad Autosomal Dominant, Autosomal Recessive and X-Linked Classification Criteria (2023). Collection method: clinical testing. Allele origin: unknown.
Comment: NM_033305.2(VPS13A):c.236_238delTTGinsA(V79Efs*16) is expected to be pathogenic in the context of VPS13A disease. This variant is predicted to lead to an abnormal or absent protein product due to the creation of a premature termination codon in VPS13A, a gene where loss-of-function variants are known to be pathogenic. Please note: this variant was assessed in the context of healthy population screening.